The following is an entry in ClinVar:

NM_004655.4(AXIN2):c.1913A>C (p.Gln638Pro)

Gene: AXIN2 (axin 2; minus strand). Cytogenetic location: 17q24.1.
Variant type: single nucleotide variant.
Coding change: c.1913A>C on transcript NM_004655.4 (MANE Select); coding-DNA position 1913, A replaced by C.
Protein change: p.Gln638Pro; replaces glutamine 638 with proline.
Molecular consequence: missense variant.
Genome position (GRCh38, 1-based): chr17:65,536,548, T>G on the plus strand (A>C on the coding strand, the complement: AXIN2 is on the minus strand). VCF-style: chr17-65536548-T-G. GRCh37 (hg19) VCF-style: chr17-63532666-T-G.
Other names: c.1718A>C, p.Gln573Pro (NM_001363813.1); short protein forms Q573P, Q638P.
Identifiers: ClinVar variation 5038352 (VCV005038352.1).

ClinVar aggregate classification (germline): Uncertain significance (1 of 4 stars; one submission).

Conditions:
Oligodontia-cancer predisposition syndrome. Also called: TOOTH AGENESIS-COLORECTAL CANCER SYNDROME. Identifiers: Orphanet 300576, MedGen C1837750, MONDO:0012075, OMIM 608615. Disease mechanism: loss of function.

Submission:

St. Jude Molecular Pathology, St. Jude Children's Research Hospital
Classification: Uncertain significance for Oligodontia-cancer predisposition syndrome. Last evaluated: 2026-10-01. Review status: criteria provided, single submitter. Criteria: St. Jude Assertion Criteria 2020. Collection method: clinical testing. Allele origin: germline.
Comment: The AXIN2 c.1913A>C p.(Gln638Pro) missense change is absent in gnomAD v2.1.1. The in silico tool REVEL predicts a benign effect on protein function, but to our knowledge this prediction has n ot been confirmed by functional studies. To our knowledge, this variant has not been reported in the literature in individuals with oligodontia-cancer predisposition syndrome. In summary, the evidence currently available is insufficient to determine the clinical significance of this variant. It has therefore been classified as of uncertain significance.